The following is an entry in ClinVar:

ClinVar aggregate classification (germline): Benign (1 of 4 stars; one submission).

Allele frequency attached by ClinVar (database versions not stated): TOPMed 0.42962; gnomAD exomes 0.33499; gnomAD 0.41115; 1000 Genomes Project 0.47624; 1000 Genomes Project 30x 0.47814.
gnomAD v4.1: 208,733 of 587,386 alleles (36%); highest among the groups gnomAD compares: African/African-American, 66%; 41,801 homozygotes.

Submission:

Unidad de Genómica Garrahan, Hospital de Pediatría Garrahan
Classification: Benign. Last evaluated: 2024-01-24. Review status: criteria provided, single submitter. Criteria: ACMG Guidelines, 2015. Collection method: clinical testing. Allele origin: germline. Affected: no. Observed: 21 variant alleles.
Comment: This variant is classified as Benign based on local population frequency. This variant was detected in 22% of patients studied by a panel of primary immunodeficiencies. Number of patients: 21. Only high quality variants are reported.

NM_001193424.2(SUV39H2):c.850-483T>G

Genes: DCLRE1C (DNA cross-link repair 1C; minus strand), SUV39H2 (SUV39H2 histone lysine methyltransferase; plus strand). Cytogenetic location: 10p13.
Variant type: single nucleotide variant.
Coding change: c.850-483T>G on transcript NM_001193424.2 (MANE Select); 483 bases into the intron before coding-DNA position 850, T replaced by G.
Molecular consequence: intron variant. On other transcripts: 3 prime UTR variant (3), non-coding transcript variant (1).
Genome position (GRCh38, 1-based): chr10:14,899,056, T>G. VCF-style: chr10-14899056-T-G. GRCh37 (hg19) VCF-style: chr10-14941055-T-G.
Other names: c.*194A>C (NM_001350965.2, NM_001350966.2, NM_001350967.2); c.670-483T>G (NM_024670.4, NM_001193425.2); c.130-483T>G (NM_001193427.2); c.310-483T>G (NM_001193426.2).
Identifiers: ClinVar variation 2688318 (VCV002688318.2), dbSNP rs7896464, ClinGen allele CA15634291.